The following is an entry in ClinVar:

NM_012092.4(ICOS):c.190G>A (p.Asp64Asn)

Gene: ICOS (inducible T cell costimulator; plus strand). Cytogenetic location: 2q33.2.
Variant type: single nucleotide variant.
Coding change: c.190G>A on transcript NM_012092.4 (MANE Select); coding-DNA position 190, G replaced by A.
Protein change: p.Asp64Asn; replaces aspartic acid 64 with asparagine.
Molecular consequence: missense variant.
Genome position (GRCh38, 1-based): chr2:203,955,767, G>A. VCF-style: chr2-203955767-G-A. GRCh37 (hg19) VCF-style: chr2-204820490-G-A.
Other names: short protein forms D64N.
Identifiers: ClinVar variation 2417191 (VCV002417191.4), dbSNP rs1215466849, ClinGen allele CA350139842.

ClinVar aggregate classification (germline): Uncertain significance (1 of 4 stars; one submission).

Conditions:
Immunodeficiency, common variable, 1. Also called: ANTIBODY DEFICIENCY DUE TO ICOS DEFECT. Identifiers: Orphanet 1572, Orphanet 695183, MedGen C3149378, MONDO:0011864, OMIM 607594.

gnomAD v4.1: 2 of 1,613,764 alleles (0.00012%); highest among the groups gnomAD compares: Non-Finnish European, 0.000085%; no homozygotes.

Submission:

Labcorp Genetics (formerly Invitae), Labcorp
Classification: Uncertain significance for Immunodeficiency, common variable, 1. Last evaluated: 2022-03-19. Review status: criteria provided, single submitter. Criteria: Invitae Variant Classification Sherloc (09022015). Collection method: clinical testing. Allele origin: germline.
Comment: This sequence change replaces aspartic acid, which is acidic and polar, with asparagine, which is neutral and polar, at codon 64 of the ICOS protein (p.Asp64Asn). In summary, the available evidence is currently insufficient to determine the role of this variant in disease. Therefore, it has been classified as a Variant of Uncertain Significance. Algorithms developed to predict the effect of missense changes on protein structure and function output the following: SIFT: "Tolerated"; PolyPhen-2: "Benign"; Align-GVGD: "Class C0". The asparagine amino acid residue is found in multiple mammalian species, which suggests that this missense change does not adversely affect protein function. This variant has not been reported in the literature in individuals affected with ICOS-related conditions. This variant is not present in population databases (gnomAD no frequency).